The following is an entry in ClinVar:

ClinVar aggregate classification (germline): Benign/Likely benign. Review status: criteria provided, multiple submitters, no conflicts (2 of 4 stars). 3 submissions from 3 submitters: Benign (1); Likely benign (2). Last evaluated 2024-09-05.

Allele frequency attached by ClinVar (database versions not stated): gnomAD 0.00066; TOPMed 0.00072; ESP Exome Variant Server 0.00092; 1000 Genomes Project 0.00100; 1000 Genomes Project 30x 0.00109.
gnomAD v4.1: 196 of 1,607,230 alleles (0.012%); highest among the groups gnomAD compares: African/African-American, 0.24%; no homozygotes.

Submissions (3):

Labcorp Genetics (formerly Invitae), Labcorp
Classification: Benign. Last evaluated: 2024-09-05. Review status: criteria provided, single submitter. Criteria: Invitae Variant Classification Sherloc (09022015). Collection method: clinical testing. Allele origin: germline.

CeGaT Center for Human Genetics Tuebingen
Classification: Likely benign. Last evaluated: 2024-09-01. Review status: criteria provided, single submitter. Criteria: CeGaT Center For Human Genetics Tuebingen Variant Classification Criteria Version 2. Collection method: clinical testing. Allele origin: germline. Affected: yes. Observed: 1 variant allele.
Comment: WDR62: BP4, BP7

Women's Health and Genetics/Laboratory Corporation of America, LabCorp
Classification: Likely benign. Last evaluated: 2023-10-27. Review status: criteria provided, single submitter. Criteria: LabCorp Variant Classification Summary - May 2015. Collection method: clinical testing. Allele origin: germline.
Comment: Variant summary: WDR62 c.1768+17C>T alters a nucleotide located at a position not widely known to affect splicing. Consensus agreement among computation tools predict no significant impact on normal splicing. However, these predictions have yet to be confirmed by functional studies. The variant allele was found at a frequency of 0.00017 in 239060 control chromosomes (gnomAD). To our knowledge, no occurrence of c.1768+17C>T in individuals affected with Primary microcephaly and no experimental evidence demonstrating its impact on protein function have been reported. One submitter has cited clinical-significance assessments for this variant to ClinVar after 2014 and has classified the variant as benign. Based on the evidence outlined above, the variant was classified as likely benign.

NM_001083961.2(WDR62):c.1768+17C>T

Gene: WDR62 (WD repeat domain 62; plus strand). Cytogenetic location: 19q13.12.
Variant type: single nucleotide variant.
Coding change: c.1768+17C>T on transcript NM_001083961.2 (MANE Select); 17 bases into the intron after coding-DNA position 1768, C replaced by T.
Molecular consequence: intron variant.
Genome position (GRCh38, 1-based): chr19:36,086,829, C>T. VCF-style: chr19-36086829-C-T. GRCh37 (hg19) VCF-style: chr19-36577731-C-T.
Other names: c.1768+17C>T (NM_173636.5).
Identifiers: ClinVar variation 1898969 (VCV001898969.20), dbSNP rs149269223, ClinGen allele CA9395710.
Genomic context (GRCh38, chr19:36,086,829, plus strand): 5'-GCTGGATGACCACTCCTCCTCCATCACCGCCATCAAGTTCGCTGGTGAGCCCCTTTCTTC[C>T]CGCTCCCTGCGCCTTGCTAGCTACCCTGCTAAAAAAGGATTCATTCTTTCAACTCTCCTG-3'